The following is an entry in ClinVar:

ClinVar aggregate classification (germline): Uncertain significance (1 of 4 stars; one submission).

Submission:

Labcorp Genetics (formerly Invitae), Labcorp
Classification: Uncertain significance. Last evaluated: 2022-10-26. Review status: criteria provided, single submitter. Criteria: Invitae Variant Classification Sherloc (09022015). Collection method: clinical testing. Allele origin: germline.
Comment: This sequence change results in a frameshift in the FCHO1 gene (p.Val751Alafs*144). While this is not anticipated to result in nonsense mediated decay, it is expected to disrupt the last 141 amino acid(s) of the FCHO1 protein and extend the protein by 2 additional amino acid residues. In summary, the available evidence is currently insufficient to determine the role of this variant in disease. Therefore, it has been classified as a Variant of Uncertain Significance. Experimental studies and prediction algorithms are not available or were not evaluated, and the functional significance of this variant is currently unknown. This variant has not been reported in the literature in individuals affected with FCHO1-related conditions. This variant is not present in population databases (gnomAD no frequency).

NM_015122.3(FCHO1):c.2252_2253del (p.Val751fs)

Gene: FCHO1 (FCH and mu domain containing endocytic adaptor 1; plus strand). Cytogenetic location: 19p13.11.
Variant type: Microsatellite.
Coding change: c.2252_2253del on transcript NM_015122.3 (MANE Select); coding-DNA positions 2252 to 2253, 2 bases deleted (TG; older notation c.2252_2253delTG).
Protein change: p.Val751fs; shifts the reading frame from valine 751.
Molecular consequence: frameshift variant. On other transcripts: non-coding transcript variant (35), intron variant (5).
Genome position (GRCh38, 1-based): chr19:17,784,750-17,784,751, TG deleted; deleting any 2 consecutive bases within chr19:17,784,748-17,784,751 gives the same sequence; the c. name uses the placement nearest the transcript's 3' end. VCF-style (leftmost placement, unchanged base first): chr19-17784747-CTG-C. GRCh37 (hg19) VCF-style: chr19-17895556-CTG-C.
Other names: c.2252_2253del, p.Val751fs (NM_001384378.1, NM_001384379.1, NM_001384380.1 and 11 more transcripts); c.2102_2103del, p.Val701fs (NM_001384384.1, NM_001384385.1, NM_001384386.1 and 1 more transcripts); c.2231_2232del, p.Val744fs (NM_001384387.1); c.2213_2214del, p.Val738fs (NM_001384388.1, NM_001384389.1); c.1976_1977del, p.Val659fs (NM_001384400.1, NM_001384401.1, NM_001384402.1 and 4 more transcripts); c.1931_1932del, p.Val644fs (NM_001384403.1); c.2177_2178del, p.Val726fs (NM_001384390.1); c.2135_2136del, p.Val712fs (NM_001384392.1, NM_001384393.1, NM_001384394.1 and 1 more transcripts); and 5 more; short protein forms V644fs, V726fs, V751fs, V738fs, V744fs, V659fs, V701fs, V712fs.
Identifiers: ClinVar variation 2036361 (VCV002036361.4), dbSNP rs2514257187, ClinGen allele CA2580613087.